The following is an entry in ClinVar:

ClinVar aggregate classification (germline): Uncertain significance (1 of 4 stars; one submission).

Conditions:
Atrioventricular septal defect 4 (AVSD4). Identifiers: MedGen C3280781, MONDO:0013747, OMIM 614430.

Submission:

Labcorp Genetics (formerly Invitae), Labcorp
Classification: Uncertain significance for Atrioventricular septal defect 4. Last evaluated: 2025-05-27. Review status: criteria provided, single submitter. Criteria: Invitae Variant Classification Sherloc (09022015). Collection method: clinical testing. Allele origin: germline.
Comment: This sequence change replaces glutamine, which is neutral and polar, with arginine, which is basic and polar, at codon 258 of the GATA4 protein (p.Gln258Arg). This variant is not present in population databases (gnomAD no frequency). This variant has not been reported in the literature in individuals affected with GATA4-related conditions. Invitae Evidence Modeling of protein sequence and biophysical properties (such as structural, functional, and spatial information, amino acid conservation, physicochemical variation, residue mobility, and thermodynamic stability) has been performed for this missense variant. However, the output from this modeling did not meet the statistical confidence thresholds required to predict the impact of this variant on GATA4 protein function. In summary, the available evidence is currently insufficient to determine the role of this variant in disease. Therefore, it has been classified as a Variant of Uncertain Significance.

NM_001308093.3(GATA4):c.776A>G (p.Gln259Arg)

Gene: GATA4 (GATA binding protein 4). Cytogenetic location: 8p23.1.
Variant type: single nucleotide variant.
Coding change: c.776A>G on transcript NM_001308093.3 (MANE Select); coding-DNA position 776, A replaced by G.
Protein change: p.Gln259Arg; replaces glutamine 259 with arginine.
Molecular consequence: missense variant.
Genome position (GRCh38, 1-based): chr8:11,749,075, A>G. VCF-style: chr8-11749075-A-G. GRCh37 (hg19) VCF-style: chr8-11606584-A-G.
Other names: c.155A>G, p.Gln52Arg (NM_001374273.1, NM_001374274.1, NM_001308094.2); c.773A>G, p.Gln258Arg (NM_002052.5); short protein forms Q52R, Q258R, Q259R.
Identifiers: ClinVar variation 4779152 (VCV004779152.1).
Genomic context (GRCh38, chr8:11,749,075, plus strand): 5'-GCAACGCCTGCGGCCTCTACCACAAGATGAACGGCATCAACCGGCCGCTCATCAAGCCTC[A>G]GCGCCGGCTGGTAAGCACGTGCCTCGCAGCCTCCTCTGGGCACCTGGCTGCGGAGCTCTC-3'
Protein context (NP_001295022.1, residues 249-269): NGINRPLIKP[Gln259Arg]RRLSASRRVG